The following is an entry in ClinVar:

ClinVar aggregate classification (germline): Likely benign. Review status: criteria provided, multiple submitters, no conflicts (2 of 4 stars). 5 submissions from 5 submitters: Likely benign (4). 1 of the submissions does not count toward it. Last evaluated 2026-02-01.

Conditions:
BCL11B-related disorder. Also called: BCL11B-Related Disorders.

Allele frequency attached by ClinVar (database versions not stated): 1000 Genomes Project 30x 0.00016; gnomAD 0.00084 and 0.00088; TOPMed 0.00088; ExAC 0.00101; ESP Exome Variant Server 0.00115; gnomAD exomes 0.00169 and 0.00082; 1000 Genomes Project 0.00040.
gnomAD v4.1: 2,516 of 1,597,390 alleles (0.16%); highest among the groups gnomAD compares: Non-Finnish European, 0.21%; 3 homozygotes.

Submissions (5):

Labcorp Genetics (formerly Invitae), Labcorp
Classification: Likely benign. Last evaluated: 2026-02-01. Review status: criteria provided, single submitter. Criteria: Invitae Variant Classification Sherloc (09022015). Collection method: clinical testing. Allele origin: germline.

CeGaT Center for Human Genetics Tuebingen
Classification: Likely benign. Last evaluated: 2025-10-01. Review status: criteria provided, single submitter. Criteria: CeGaT Center For Human Genetics Tuebingen Variant Classification Criteria Version 2. Collection method: clinical testing. Allele origin: germline. Affected: yes. Observed: 5 variant alleles.
Comment: BCL11B: BP4, BP7, BS1

Blueprint Genetics
Classification: Likely benign. Last evaluated: 2024-11-26. Review status: criteria provided, single submitter. Criteria: ACMG Guidelines, 2015. Collection method: clinical testing. Allele origin: germline.

Breakthrough Genomics
Classification: Likely benign. Review status: criteria provided, single submitter. Criteria: ACMG Guidelines, 2015. Collection method: not provided. Allele origin: germline. Inheritance: Autosomal dominant inheritance. Affected: yes.

PreventionGenetics, part of Exact Sciences
Classification: Likely benign for BCL11B-related condition. Last evaluated: 2020-04-27. Review status: no assertion criteria provided. Collection method: clinical testing. Allele origin: germline. Not counted in ClinVar's aggregate classification.
Comment: This variant is classified as likely benign based on ACMG/AMP sequence variant interpretation guidelines (Richards et al. 2015 PMID: 25741868, with internal and published modifications).

NM_138576.4(BCL11B):c.543C>T (p.Leu181=)

Gene: BCL11B (BCL11 transcription factor B; minus strand). Cytogenetic location: 14q32.2.
Variant type: single nucleotide variant.
Coding change: c.543C>T on transcript NM_138576.4 (MANE Select); coding-DNA position 543, C replaced by T.
Protein change: p.Leu181=; no amino-acid change (leucine 181 retained).
Molecular consequence: synonymous variant. On other transcripts: intron variant (2).
Genome position (GRCh38, 1-based): chr14:99,231,442, G>A on the plus strand (C>T on the coding strand, the complement: BCL11B is on the minus strand). VCF-style: chr14-99231442-G-A. GRCh37 (hg19) VCF-style: chr14-99697779-G-A.
Other names: c.540C>T, p.Leu180= (NM_001282237.2); c.424+26029C>T (NM_001282238.2); c.427+26029C>T (NM_022898.3).
Identifiers: ClinVar variation 708601 (VCV000708601.40), dbSNP rs139585400, ClinGen allele CA7339867.